The following is an entry in ClinVar:

ClinVar aggregate classification (germline): Pathogenic (1 of 4 stars; one submission).

Conditions:
Neuronal ceroid lipofuscinosis. Also called: Neuronal Ceroid Lipofuscinoses. Identifiers: Orphanet 216, Orphanet 79263, MedGen C0027877, MONDO:0016295. Disease mechanism: loss of function.

Submission:

Myriad Genetics, Inc.
Classification: Pathogenic for Neuronal ceroid lipofuscinosis. Last evaluated: 2026-03-11. Review status: criteria provided, single submitter. Criteria: Myriad Autosomal Dominant, Autosomal Recessive and X-Linked Classification Criteria (2023). Collection method: clinical testing. Allele origin: unknown.
Comment: NM_017882.2(CLN6):c.727delG(A243Pfs*26) is a frameshift variant classified as pathogenic in the context of neuronal ceroid lipofuscinosis, CLN6-related. A243Pfs*26 has been observed in a case with relevant disease (PMID: 21990111). Relevant functional assessments of this variant are available in the literature (PMID: 34380921). A243Pfs*26 has not been observed in referenced population frequency databases. In summary, NM_017882.2(CLN6):c.727delG(A243Pfs*26) is a frameshift variant in a gene where loss of function is a known mechanism of disease and is predicted to disrupt protein function. Please note: this variant was assessed in the context of healthy population screening.

Literature cited by the submitters: PubMed 21990111; PubMed 34380921.

NM_017882.3(CLN6):c.727del (p.Ala243fs)

Gene: CLN6 (CLN6 transmembrane ER protein; minus strand). Cytogenetic location: 15q23.
Variant type: Deletion.
Coding change: c.727del on transcript NM_017882.3 (MANE Select); coding-DNA position 727, one base deleted (G; older notation c.727delG).
Protein change: p.Ala243fs; shifts the reading frame from alanine 243.
Molecular consequence: frameshift variant.
Genome position (GRCh38, 1-based): chr15:68,208,349, C deleted on the plus strand (G on the coding strand, the reverse complement: CLN6 is on the minus strand); the first of 2 consecutive C bases (chr15:68,208,349-68,208,350); deleting either gives the same sequence. VCF-style (leftmost placement, unchanged base first): chr15-68208348-GC-G. GRCh37 (hg19) VCF-style: chr15-68500686-GC-G.
Other names: c.823del, p.Ala275fs (NM_001411068.1); short protein forms A243fs, A275fs.
Identifiers: ClinVar variation 5003243 (VCV005003243.1).
Genomic context (GRCh38, chr15:68,208,348, plus strand): 5'-AAGAGGAAGAGGCCGTTGCTGTCCAGGAAGAGGCGCTTGCGCTTCTGGTGCAGGACGAGG[GC>G]CAGCATGGCGAAGAAGGTGAAGATGAAGAGGATGAAGATCTGGCCCTCGGTGACCAGGTA-3'